The following is an entry in ClinVar:

NM_012418.4(FSCN2):c.1207G>A (p.Asp403Asn)

Gene: FSCN2 (fascin actin-bundling protein 2, retinal; plus strand). Cytogenetic location: 17q25.3.
Variant type: single nucleotide variant.
Coding change: c.1207G>A on transcript NM_012418.4 (MANE Select); coding-DNA position 1207, G replaced by A.
Protein change: p.Asp403Asn; replaces aspartic acid 403 with asparagine.
Molecular consequence: missense variant.
Genome position (GRCh38, 1-based): chr17:81,536,723, G>A. VCF-style: chr17-81536723-G-A. GRCh37 (hg19) VCF-style: chr17-79503749-G-A.
Other names: c.1279G>A, p.Asp427Asn (NM_001077182.3); short protein forms D403N, D427N.
Identifiers: ClinVar variation 1924736 (VCV001924736.5), dbSNP rs1360733141, ClinGen allele CA401478132.
Genomic context (GRCh38, chr17:81,536,723, plus strand): 5'-ATCCTGGTGCTGCGCGGCCTGGACGGCTTCGTCTGCCACCACCGCGGCTCCAACCAGCTG[G>A]ACACCAACCGCTCCGTCTACGACGTCTTCCACCTGAGCTTCAGCGACGGCGCCTACCGGA-3'
Protein context (NP_036550.1, residues 393-413): VCHHRGSNQL[Asp403Asn]TNRSVYDVFH

ClinVar aggregate classification (germline): Uncertain significance (1 of 4 stars; one submission).

Allele frequency attached by ClinVar (database versions not stated): gnomAD exomes below 0.00001.
gnomAD v4.1: 5 of 1,611,240 alleles (0.00031%); highest among the groups gnomAD compares: East Asian, 0.0045%; no homozygotes.

Submission:

Labcorp Genetics (formerly Invitae), Labcorp
Classification: Uncertain significance. Last evaluated: 2022-08-09. Review status: criteria provided, single submitter. Criteria: Invitae Variant Classification Sherloc (09022015). Collection method: clinical testing. Allele origin: germline.
Comment: This sequence change replaces aspartic acid, which is acidic and polar, with asparagine, which is neutral and polar, at codon 427 of the FSCN2 protein (p.Asp427Asn). This variant is not present in population databases (gnomAD no frequency). In summary, the available evidence is currently insufficient to determine the role of this variant in disease. Therefore, it has been classified as a Variant of Uncertain Significance. Algorithms developed to predict the effect of missense changes on protein structure and function are either unavailable or do not agree on the potential impact of this missense change (SIFT: "Deleterious"; PolyPhen-2: "Possibly Damaging"; Align-GVGD: "Class C0"). This variant has not been reported in the literature in individuals affected with FSCN2-related conditions.